The following is an entry in ClinVar:

ClinVar aggregate classification (germline): Conflicting classifications of pathogenicity. Review status: criteria provided, conflicting classifications (1 of 4 stars). 2 submissions from 2 submitters: Pathogenic (1); Uncertain significance (1). Last evaluated 2023-06-02.

Conditions:
RYR1-related disorder. Also called: RYR1-related disorders; RYR1-related condition. Identifiers: MedGen CN239331.

Allele frequency attached by ClinVar (database versions not stated): TOPMed below 0.00001.

Submissions (2):

GeneDx
Classification: Pathogenic. Last evaluated: 2023-06-02. Review status: criteria provided, single submitter. Criteria: GeneDx Variant Classification Process June 2021. Collection method: clinical testing. Allele origin: germline. Affected: yes.
Comment: Not observed in large population cohorts (gnomAD); In silico analysis supports that this missense variant has a deleterious effect on protein structure/function; Has not been previously published as pathogenic or benign to our knowledge; This variant is associated with the following publications: (PMID: 33767344)

Labcorp Genetics (formerly Invitae), Labcorp
Classification: Uncertain significance for RYR1-related disorder. Last evaluated: 2022-10-24. Review status: criteria provided, single submitter. Criteria: Invitae Variant Classification Sherloc (09022015). Collection method: clinical testing. Allele origin: germline.
Comment: ClinVar contains an entry for this variant (Variation ID: 1195354). In summary, the available evidence is currently insufficient to determine the role of this variant in disease. Therefore, it has been classified as a Variant of Uncertain Significance. Advanced modeling of protein sequence and biophysical properties (such as structural, functional, and spatial information, amino acid conservation, physicochemical variation, residue mobility, and thermodynamic stability) has been performed at Invitae for this missense variant, however the output from this modeling did not meet the statistical confidence thresholds required to predict the impact of this variant on RYR1 protein function. This variant has not been reported in the literature in individuals affected with RYR1-related conditions. This variant is not present in population databases (gnomAD no frequency). This sequence change replaces glutamine, which is neutral and polar, with arginine, which is basic and polar, at codon 4948 of the RYR1 protein (p.Gln4948Arg).

NM_000540.3(RYR1):c.14843A>G (p.Gln4948Arg)

Gene: RYR1 (ryanodine receptor 1; plus strand). Cytogenetic location: 19q13.2.
Variant type: single nucleotide variant.
Coding change: c.14843A>G on transcript NM_000540.3 (MANE Select); coding-DNA position 14843, A replaced by G.
Protein change: p.Gln4948Arg; replaces glutamine 4948 with arginine.
Molecular consequence: missense variant.
Genome position (GRCh38, 1-based): chr19:38,585,977, A>G. VCF-style: chr19-38585977-A-G. GRCh37 (hg19) VCF-style: chr19-39076617-A-G.
Other names: c.14828A>G, p.Gln4943Arg (NM_001042723.2); short protein forms Q4943R, Q4948R.
Identifiers: ClinVar variation 1195354 (VCV001195354.9), dbSNP rs1974467952, ClinGen allele CA405692409.
Genomic context (GRCh38, chr19:38,585,977, plus strand): 5'-ACTTGTGTCCTGCCACCCCAGGTCTGATCATCGACGCTTTTGGTGAGCTCCGAGACCAAC[A>G]AGAGCAAGTGAAGGAGGATATGGAGGTAGGTCATGTCTGGGGGTGACCCAGAGGGATTAC-3'
Protein context (NP_000531.2, residues 4938-4958): IDAFGELRDQ[Gln4948Arg]EQVKEDMETK